The following is an entry in ClinVar:

NM_000824.5(GLRB):c.122+1G>C

Gene: GLRB (glycine receptor beta; plus strand). Cytogenetic location: 4q32.1.
Variant type: single nucleotide variant.
Coding change: c.122+1G>C on transcript NM_000824.5 (MANE Select); the canonical splice donor site of the intron after coding-DNA position 122, G replaced by C.
Molecular consequence: splice donor variant.
Genome position (GRCh38, 1-based): chr4:157,078,147, G>C. VCF-style: chr4-157078147-G-C. GRCh37 (hg19) VCF-style: chr4-157999299-G-C.
Other names: c.-234+1G>C (NM_001440545.1); c.122+1G>C (NM_001166061.2, NM_001166060.2).
Identifiers: ClinVar variation 4728274 (VCV004728274.1).

ClinVar aggregate classification (germline): Likely pathogenic (1 of 4 stars; one submission).

Conditions:
Hyperekplexia 2 (HKPX2). Identifiers: Orphanet 3197, MedGen C3553291, MONDO:0013828, OMIM 614619.

Submission:

Labcorp Genetics (formerly Invitae), Labcorp
Classification: Likely pathogenic for Hyperekplexia 2. Last evaluated: 2025-10-01. Review status: criteria provided, single submitter. Criteria: Invitae Variant Classification Sherloc (09022015). Collection method: clinical testing. Allele origin: germline.
Comment: This sequence change affects a donor splice site in intron 2 of the GLRB gene. It is expected to disrupt RNA splicing. Variants that disrupt the donor or acceptor splice site typically lead to a loss of protein function (PMID: 16199547), and loss-of-function variants in GLRB are known to be pathogenic (PMID: 23182654, 23184146). This variant is not present in population databases (gnomAD no frequency). This variant has not been reported in the literature in individuals affected with GLRB-related conditions. Algorithms developed to predict the effect of sequence changes on RNA splicing suggest that this variant may disrupt the consensus splice site. In summary, the currently available evidence indicates that the variant is pathogenic, but additional data are needed to prove that conclusively. Therefore, this variant has been classified as Likely Pathogenic.

Literature cited by the submitters: PubMed 16199547; PubMed 23182654; PubMed 23184146.